The following is an entry in ClinVar:

NM_000426.4(LAMA2):c.5296G>T (p.Glu1766Ter)

Gene: LAMA2 (laminin subunit alpha 2; plus strand). Cytogenetic location: 6q22.33.
Variant type: single nucleotide variant.
Coding change: c.5296G>T on transcript NM_000426.4 (MANE Select); coding-DNA position 5296, G replaced by T.
Protein change: p.Glu1766Ter; replaces glutamic acid 1766 with a stop codon.
Molecular consequence: nonsense.
Genome position (GRCh38, 1-based): chr6:129,393,106, G>T. VCF-style: chr6-129393106-G-T. GRCh37 (hg19) VCF-style: chr6-129714251-G-T.
Other names: c.5296G>T, p.Glu1766Ter (NM_001079823.2); short protein forms E1766*.
Identifiers: ClinVar variation 933594 (VCV000933594.8), dbSNP rs1231277831, ClinGen allele CA365614684.

ClinVar aggregate classification (germline): Pathogenic (1 of 4 stars; one submission).

Conditions:
LAMA2-related muscular dystrophy (LAMA2-RD). Also called: Laminin alpha 2-related dystrophy. Identifiers: MedGen C5679788, MONDO:0100228.

gnomAD v4.1: 1 of 1,614,084 alleles (0.000062%); highest among the groups gnomAD compares: Non-Finnish European, 0.000085%; no homozygotes.

Submission:

Labcorp Genetics (formerly Invitae), Labcorp
Classification: Pathogenic for LAMA2-related muscular dystrophy. Last evaluated: 2022-11-29. Review status: criteria provided, single submitter. Criteria: Invitae Variant Classification Sherloc (09022015). Collection method: clinical testing. Allele origin: germline.
Comment: For these reasons, this variant has been classified as Pathogenic. ClinVar contains an entry for this variant (Variation ID: 933594). This variant has not been reported in the literature in individuals affected with LAMA2-related conditions. This variant is not present in population databases (gnomAD no frequency). This sequence change creates a premature translational stop signal (p.Glu1766*) in the LAMA2 gene. It is expected to result in an absent or disrupted protein product. Loss-of-function variants in LAMA2 are known to be pathogenic (PMID: 18700894, 32904964).

Literature cited by the submitters: PubMed 18700894; PubMed 32904964.